The following is an entry in ClinVar:

ClinVar aggregate classification (germline): Uncertain significance. Review status: criteria provided, multiple submitters, no conflicts (2 of 4 stars). 3 submissions from 3 submitters: Uncertain significance (3). Last evaluated 2025-11-12.

Conditions:
Inborn genetic diseases. Identifiers: MedGen C0950123, MeSH D030342.
GLUT1 deficiency syndrome 1, autosomal recessive. Identifiers: MedGen C3149117.

Submissions (3):

Ambry Genetics
Classification: Uncertain significance for Inborn genetic diseases. Last evaluated: 2025-11-12. Review status: criteria provided, single submitter. Criteria: Ambry Variant Classification Scheme 2023. Collection method: clinical testing. Allele origin: germline.

Labcorp Genetics (formerly Invitae), Labcorp
Classification: Uncertain significance for GLUT1 deficiency syndrome 1, autosomal recessive. Last evaluated: 2025-08-06. Review status: criteria provided, single submitter. Criteria: Invitae Variant Classification Sherloc (09022015). Collection method: clinical testing. Allele origin: germline.
Comment: This sequence change replaces glycine, which is neutral and non-polar, with aspartic acid, which is acidic and polar, at codon 84 of the SLC2A1 protein (p.Gly84Asp). This variant is not present in population databases (gnomAD no frequency). This variant has not been reported in the literature in individuals affected with SLC2A1-related conditions. Invitae Evidence Modeling of protein sequence and biophysical properties (such as structural, functional, and spatial information, amino acid conservation, physicochemical variation, residue mobility, and thermodynamic stability) indicates that this missense variant is expected to disrupt SLC2A1 protein function with a positive predictive value of 95%. In summary, the available evidence is currently insufficient to determine the role of this variant in disease. Therefore, it has been classified as a Variant of Uncertain Significance.

GeneDx
Classification: Uncertain significance. Last evaluated: 2025-03-18. Review status: criteria provided, single submitter. Criteria: GeneDx Variant Classification Process June 2021. Collection method: clinical testing. Allele origin: germline. Affected: yes.
Comment: Not observed at significant frequency in large population cohorts (gnomAD); In silico analysis supports that this missense variant has a deleterious effect on protein structure/function; Has not been previously published as pathogenic or benign to our knowledge

NM_006516.4(SLC2A1):c.251G>A (p.Gly84Asp)

Gene: SLC2A1 (solute carrier family 2 member 1; minus strand). Cytogenetic location: 1p34.2.
Variant type: single nucleotide variant.
Coding change: c.251G>A on transcript NM_006516.4 (MANE Select); coding-DNA position 251, G replaced by A.
Protein change: p.Gly84Asp; replaces glycine 84 with aspartic acid.
Molecular consequence: missense variant.
Genome position (GRCh38, 1-based): chr1:42,931,070, C>T on the plus strand (G>A on the coding strand, the complement: SLC2A1 is on the minus strand). VCF-style: chr1-42931070-C-T. GRCh37 (hg19) VCF-style: chr1-43396741-C-T.
Other names: short protein forms G84D.
Identifiers: ClinVar variation 4086561 (VCV004086561.3).
Genomic context (GRCh38, chr1:42,931,070, plus strand): 5'-CCCTCCAAGGGCAGTGCCAGGACCTCTCCTACTTACCGGCCAAAGCGGTTAACGAAAAGG[C>T]CCACAGAGAAGGAGCCAATCATGCCCCCAACAGAAAAGATGGCCACTGAGAGGGACCAGA-3'
Protein context (NP_006507.2, residues 74-94): VGGMIGSFSV[Gly84Asp]LFVNRFGRRN